The following is an entry in ClinVar:

NM_007194.4(CHEK2):c.969del (p.Cys324fs)

Gene: CHEK2 (checkpoint kinase 2; minus strand). Cytogenetic location: 22q12.1.
Variant type: Deletion.
Coding change: c.969del on transcript NM_007194.4 (MANE Select); coding-DNA position 969, one base deleted (C; older notation c.969delC).
Protein change: p.Cys324fs; shifts the reading frame from cysteine 324.
Molecular consequence: frameshift variant.
Genome position (GRCh38, 1-based): chr22:28,699,877, G deleted on the plus strand (C on the coding strand, the reverse complement: CHEK2 is on the minus strand); the first of 2 consecutive G bases (chr22:28,699,877-28,699,878); deleting either gives the same sequence. VCF-style (leftmost placement, unchanged base first): chr22-28699876-AG-A. GRCh37 (hg19) VCF-style: chr22-29095864-AG-A.
Other names: c.1098del, p.Cys367fs (NM_001005735.3, NM_001438294.1); c.306del, p.Cys103fs (NM_001257387.3, NM_001437942.1); c.768del, p.Cys257fs (NM_001349956.3); c.1062del, p.Cys355fs (NM_001438293.1, NM_001438295.1); c.969del, p.Cys324fs (NM_145862.3); short protein forms C103fs, C257fs, C324fs, C355fs, C367fs.
Identifiers: ClinVar variation 4294163 (VCV004294163.1).

ClinVar aggregate classification (germline): Pathogenic (1 of 4 stars; one submission).

Conditions:
Familial cancer of breast. Also called: hereditary breast carcinoma; BREAST CANCER, FAMILIAL; Hereditary breast cancer. Identifiers: Orphanet 227535, MedGen C0346153, MONDO:0016419, OMIM 114480. Disease mechanism: loss of function.

Submission:

Myriad Genetics, Inc.
Classification: Pathogenic for Familial cancer of breast. Last evaluated: 2025-09-17. Review status: criteria provided, single submitter. Criteria: Myriad Autosomal Dominant, Autosomal Recessive and X-Linked Classification Criteria (2023). Collection method: clinical testing. Allele origin: unknown.
Comment: This variant is considered pathogenic. This variant creates a frameshift predicted to result in premature protein truncation.